The following is an entry in ClinVar:

ClinVar aggregate classification (germline): Uncertain significance (1 of 4 stars; one submission).

Conditions:
Anauxetic dysplasia. Identifiers: Orphanet 93347, MedGen C1846796, MONDO:0011773.

Submission:

Labcorp Genetics (formerly Invitae), Labcorp
Classification: Uncertain significance for Anauxetic dysplasia. Last evaluated: 2022-02-10. Review status: criteria provided, single submitter. Criteria: Invitae Variant Classification Sherloc (09022015). Collection method: clinical testing. Allele origin: germline.
Comment: In summary, the available evidence is currently insufficient to determine the role of this variant in disease. Therefore, it has been classified as a Variant of Uncertain Significance. Experimental studies and prediction algorithms are not available or were not evaluated, and the functional significance of this variant is currently unknown. This variant has not been reported in the literature in individuals affected with RMRP-related conditions. This variant is not present in population databases (gnomAD no frequency). This variant occurs in a non-coding region of the RMRP gene. It does not change the encoded amino acid sequence of the RMRP protein.

NR_003051.4(RMRP):n.49dup

Gene: RMRP (RNA component of mitochondrial RNA processing endoribonuclease; minus strand). Cytogenetic location: 9p13.3.
Variant type: Duplication.
Genome position: GRCh38 VCF-style: chr9-35657969-G-GA. GRCh37 (hg19) VCF-style: chr9-35657966-G-GA.
Identifiers: ClinVar variation 1354846 (VCV001354846.6), dbSNP rs2131809055, ClinGen allele CA2573144620.